The following is an entry in ClinVar:

ClinVar aggregate classification (germline): Uncertain significance (1 of 4 stars; one submission).

Submission:

Labcorp Genetics (formerly Invitae), Labcorp
Classification: Uncertain significance. Last evaluated: 2018-06-27. Review status: criteria provided, single submitter. Criteria: Invitae Variant Classification Sherloc (09022015). Collection method: clinical testing. Allele origin: germline.
Comment: This sequence change replaces serine with asparagine at codon 20 of the PROP1 protein (p.Ser20Asn). The serine residue is weakly conserved and there is a small physicochemical difference between serine and asparagine. This variant is not present in population databases (ExAC no frequency). This variant has not been reported in the literature in individuals with PROP1-related disease. Algorithms developed to predict the effect of missense changes on protein structure and function output the following: SIFT: "Tolerated"; PolyPhen-2: "Benign"; Align-GVGD: "Class C0". The serine amino acid residue is found in multiple mammalian species, suggesting that this missense change does not adversely affect protein function. These predictions have not been confirmed by published functional studies and their clinical significance is uncertain. In summary, the available evidence is currently insufficient to determine the role of this variant in disease. Therefore, it has been classified as a Variant of Uncertain Significance.

NM_006261.5(PROP1):c.59= (p.Asn20=)

Gene: PROP1 (PROP paired-like homeobox 1; minus strand). Cytogenetic location: 5q35.3.
Variant type: Variation.
Coding change: c.59= on transcript NM_006261.5 (MANE Select); coding-DNA position 59, no change from the reference sequence.
Protein change: p.Asn20=; no amino-acid change (asparagine 20 retained).
Molecular consequence: no sequence alteration.
Genome position: GRCh38 VCF-style: chr5-177995875-T-T. GRCh37 (hg19) VCF-style: chr5-177422876-T-T.
Identifiers: ClinVar variation 2042396 (VCV002042396.1).
Genomic context (GRCh38, chr5:177,995,875, plus strand): 5'-GGTCACTCACCCACCGTGGTGGTCGGGGTCCCAGTGGCCGGGTGTCTCTCAGGCAACAGG[T=]TGCTGCCGACTCGCCCCTTCTTTGGCTTCTCAGCCTGGCGCCTCCTTTCTGCTTCCATGG-3'
Protein context (NP_006252.4, residues 10-30): EKPKKGRVGS[Asn20=]LLPERHPATG